The following is an entry in ClinVar:

ClinVar aggregate classification (germline): Uncertain significance. Review status: criteria provided, multiple submitters, no conflicts (2 of 4 stars). 2 submissions from 2 submitters: Uncertain significance (2). Last evaluated 2025-08-06.

Conditions:
Inborn genetic diseases. Identifiers: MedGen C0950123, MeSH D030342.
Neurodevelopmental disorder with or without variable brain abnormalities; NEDBA. Also called: NEURODEVELOPMENTAL DISORDER WITH OR WITHOUT VARIABLE BRAIN ABNORMALITIES. Identifiers: MedGen C5193102, MONDO:0032755, OMIM 618443.

Allele frequency attached by ClinVar (database versions not stated): gnomAD exomes below 0.00001.
gnomAD v4.1: 6 of 1,612,880 alleles (0.00037%); highest among the groups gnomAD compares: South Asian, 0.0011%; no homozygotes.

Submissions (2):

Ambry Genetics
Classification: Uncertain significance for Inborn genetic diseases. Last evaluated: 2025-08-06. Review status: criteria provided, single submitter. Criteria: Ambry Variant Classification Scheme 2023. Collection method: clinical testing. Allele origin: germline.

Centre for Mendelian Genomics, University Medical Centre Ljubljana
Classification: Uncertain significance for Neurodevelopmental disorder with or without variable brain abnormalities; NEDBA. Last evaluated: 2019-11-20. Review status: criteria provided, single submitter. Criteria: ACMG Guidelines, 2015. Collection method: clinical testing. Allele origin: unknown. Affected: yes.
Comment: This variant was classified as: Uncertain significance. The available evidence on this variant's pathogenicity is insufficient or conflicting. The following ACMG criteria were applied in classifying this variant: PM2,PP3.

NM_001318852.2(MAPK8IP3):c.1873C>T (p.Arg625Trp)

Gene: MAPK8IP3 (mitogen-activated protein kinase 8 interacting protein 3; plus strand). Cytogenetic location: 16p13.3.
Variant type: single nucleotide variant.
Coding change: c.1873C>T on transcript NM_001318852.2 (MANE Select); coding-DNA position 1873, C replaced by T.
Protein change: p.Arg625Trp; replaces arginine 625 with tryptophan.
Molecular consequence: missense variant.
Genome position (GRCh38, 1-based): chr16:1,762,981, C>T. VCF-style: chr16-1762981-C-T. GRCh37 (hg19) VCF-style: chr16-1812982-C-T.
Other names: c.1852C>T, p.Arg618Trp (NM_001040439.2); c.1870C>T, p.Arg624Trp (NM_015133.5); short protein forms R624W, R618W, R625W.
Identifiers: ClinVar variation 931199 (VCV000931199.4), dbSNP rs1053152286, ClinGen allele CA394232958.